The following is an entry in ClinVar:

ClinVar aggregate classification (germline): Uncertain significance. Review status: criteria provided, multiple submitters, no conflicts (2 of 4 stars). 4 submissions from 4 submitters: Uncertain significance (3). 1 of the submissions does not count toward it. Last evaluated 2025-04-10.

Conditions:
Inborn genetic diseases. Identifiers: MedGen C0950123, MeSH D030342.
Usher syndrome type 3A (USH3A). Also called: USHER SYNDROME, TYPE IIIA. Identifiers: MedGen C5779850, MONDO:0010170, OMIM 276902.

Allele frequency attached by ClinVar (database versions not stated): gnomAD exomes below 0.00001.
gnomAD v4.1: 8 of 1,614,146 alleles (0.0005%); highest among the groups gnomAD compares: Non-Finnish European, 0.00059%; no homozygotes.

Submissions (4):

Ambry Genetics
Classification: Uncertain significance for Inborn genetic diseases. Last evaluated: 2025-04-10. Review status: criteria provided, single submitter. Criteria: Ambry Variant Classification Scheme 2023. Collection method: clinical testing. Allele origin: germline.

Blueprint Genetics
Classification: Uncertain significance. Last evaluated: 2024-03-13. Review status: criteria provided, single submitter. Criteria: ACMG Guidelines, 2015. Collection method: clinical testing. Allele origin: germline.

Labcorp Genetics (formerly Invitae), Labcorp
Classification: Uncertain significance. Last evaluated: 2022-06-27. Review status: criteria provided, single submitter. Criteria: Invitae Variant Classification Sherloc (09022015). Collection method: clinical testing. Allele origin: germline.
Comment: This sequence change replaces glycine, which is neutral and non-polar, with cysteine, which is neutral and slightly polar, at codon 70 of the CLRN1 protein (p.Gly70Cys). This variant is present in population databases (no rsID available, gnomAD 0.0009%). This variant has not been reported in the literature in individuals affected with CLRN1-related conditions. ClinVar contains an entry for this variant (Variation ID: 991772). Algorithms developed to predict the effect of missense changes on protein structure and function are either unavailable or do not agree on the potential impact of this missense change (SIFT: "Tolerated"; PolyPhen-2: "Probably Damaging"; Align-GVGD: "Class C0"). Algorithms developed to predict the effect of sequence changes on RNA splicing suggest that this variant may create or strengthen a splice site. In summary, the available evidence is currently insufficient to determine the role of this variant in disease. Therefore, it has been classified as a Variant of Uncertain Significance.

Natera, Inc.
Classification: Uncertain significance for Usher syndrome type 3A. Last evaluated: 2020-08-26. Review status: no assertion criteria provided. Collection method: clinical testing. Allele origin: germline. Not counted in ClinVar's aggregate classification.

NM_174878.3(CLRN1):c.208G>T (p.Gly70Cys)

Gene: CLRN1 (clarin 1; minus strand). Cytogenetic location: 3q25.1.
Variant type: single nucleotide variant.
Coding change: c.208G>T on transcript NM_174878.3 (MANE Select); coding-DNA position 208, G replaced by T.
Protein change: p.Gly70Cys; replaces glycine 70 with cysteine.
Molecular consequence: missense variant. On other transcripts: non-coding transcript variant (1).
Genome position (GRCh38, 1-based): chr3:150,972,501, C>A on the plus strand (G>T on the coding strand, the complement: CLRN1 is on the minus strand). VCF-style: chr3-150972501-C-A. GRCh37 (hg19) VCF-style: chr3-150690288-C-A.
Other names: c.208G>T, p.Gly70Cys (NM_001195794.1, NM_001256819.2); c.208G>T (NM_174878.2); short protein forms G70C.
Identifiers: ClinVar variation 991772 (VCV000991772.7), dbSNP rs983316791, ClinGen allele CA85947812.